The following is an entry in ClinVar:

NM_014915.3(ANKRD26):c.2559+6T>A

Gene: ANKRD26 (ankyrin repeat domain 26; minus strand). Cytogenetic location: 10p12.1.
Variant type: single nucleotide variant.
Coding change: c.2559+6T>A on transcript NM_014915.3 (MANE Select); 6 bases into the intron after coding-DNA position 2559, T replaced by A.
Molecular consequence: intron variant.
Genome position (GRCh38, 1-based): chr10:27,037,865, A>T on the plus strand (T>A on the coding strand, the complement: ANKRD26 is on the minus strand). VCF-style: chr10-27037865-A-T. GRCh37 (hg19) VCF-style: chr10-27326794-A-T.
Other names: c.2556+6T>A (NM_001256053.2).
Identifiers: ClinVar variation 2697536 (VCV002697536.3), dbSNP rs1004402844, ClinGen allele CA2697558288.

ClinVar aggregate classification (germline): Uncertain significance (1 of 4 stars; one submission).

Submission:

Labcorp Genetics (formerly Invitae), Labcorp
Classification: Uncertain significance. Last evaluated: 2023-11-20. Review status: criteria provided, single submitter. Criteria: Invitae Variant Classification Sherloc (09022015). Collection method: clinical testing. Allele origin: germline.
Comment: This sequence change falls in intron 22 of the ANKRD26 gene. It does not directly change the encoded amino acid sequence of the ANKRD26 protein. It affects a nucleotide within the consensus splice site. This variant is not present in population databases (gnomAD no frequency). This variant has not been reported in the literature in individuals affected with ANKRD26-related conditions. Variants that disrupt the consensus splice site are a relatively common cause of aberrant splicing (PMID: 17576681, 9536098). Algorithms developed to predict the effect of sequence changes on RNA splicing suggest that this variant is not likely to affect RNA splicing. In summary, the available evidence is currently insufficient to determine the role of this variant in disease. Therefore, it has been classified as a Variant of Uncertain Significance.

Literature cited by the submitters: PubMed 17576681; PubMed 9536098.